The following is an entry in ClinVar:

NM_152564.5(VPS13B):c.5212G>C (p.Ala1738Pro)

Gene: VPS13B (vacuolar protein sorting 13 homolog B; plus strand). Cytogenetic location: 8q22.2.
Variant type: single nucleotide variant.
Coding change: c.5212G>C on transcript NM_152564.5 (MANE Select); coding-DNA position 5212, G replaced by C.
Protein change: p.Ala1738Pro; replaces alanine 1738 with proline.
Molecular consequence: missense variant.
Genome position (GRCh38, 1-based): chr8:99,577,625, G>C. VCF-style: chr8-99577625-G-C. GRCh37 (hg19) VCF-style: chr8-100589853-G-C.
Other names: c.5287G>C, p.Ala1763Pro (NM_017890.5); short protein forms A1738P, A1763P.
Identifiers: ClinVar variation 589388 (VCV000589388.11), dbSNP rs572817378, ClinGen allele CA4823772.
Genomic context (GRCh38, chr8:99,577,625, plus strand): 5'-GTTCAACTCTTACATCAGTTAATAGTAGCAAATATGACTGGACTGGAACCATCAAACAAG[G>C]CTGCAGAGGTAACTGTTACCTGATTTTGATCAGGCTTACTGCATTTGTTCCAACTTTACA-3'
Protein context (NP_689777.3, residues 1728-1748): NMTGLEPSNK[Ala1738Pro]AEISKQEQKK

ClinVar aggregate classification (germline): Uncertain significance. Review status: criteria provided, multiple submitters, no conflicts (2 of 4 stars). 2 submissions from 2 submitters: Uncertain significance (2). Last evaluated 2024-10-22.

Conditions:
Inborn genetic diseases. Identifiers: MedGen C0950123, MeSH D030342.
Cohen syndrome (COH1). Also called: Cutis verticis gyrata, retinitis pigmentosa, and sensorineural deafness; PEPPER SYNDROME. Identifiers: Orphanet 193, MedGen C0265223, MONDO:0008999, OMIM 216550.

Allele frequency attached by ClinVar (database versions not stated): gnomAD exomes below 0.00001; ExAC 0.00001; gnomAD 0.00001; 1000 Genomes Project 30x 0.00016; 1000 Genomes Project 0.00020.
gnomAD v4.1: 4 of 1,613,534 alleles (0.00025%); highest among the groups gnomAD compares: South Asian, 0.0044%; no homozygotes.

Submissions (2):

Labcorp Genetics (formerly Invitae), Labcorp
Classification: Uncertain significance for Cohen syndrome. Last evaluated: 2024-10-22. Review status: criteria provided, single submitter. Criteria: Invitae Variant Classification Sherloc (09022015). Collection method: clinical testing. Allele origin: germline.
Comment: This sequence change replaces alanine, which is neutral and non-polar, with proline, which is neutral and non-polar, at codon 1763 of the VPS13B protein (p.Ala1763Pro). This variant is present in population databases (rs572817378, gnomAD 0.003%). This variant has not been reported in the literature in individuals affected with VPS13B-related conditions. ClinVar contains an entry for this variant (Variation ID: 589388). Invitae Evidence Modeling of protein sequence and biophysical properties (such as structural, functional, and spatial information, amino acid conservation, physicochemical variation, residue mobility, and thermodynamic stability) indicates that this missense variant is not expected to disrupt VPS13B protein function with a negative predictive value of 80%. In summary, the available evidence is currently insufficient to determine the role of this variant in disease. Therefore, it has been classified as a Variant of Uncertain Significance.

Ambry Genetics
Classification: Uncertain significance for Inborn genetic diseases. Last evaluated: 2016-09-09. Review status: criteria provided, single submitter. Criteria: Ambry Variant Classification Scheme 2023. Collection method: clinical testing. Allele origin: germline.
Comment: The p.A1763P variant (also known as c.5287G>C), located in coding exon 32 of the VPS13B gene, results from a G to C substitution at nucleotide position 5287. The alanine at codon 1763 is replaced by proline, an amino acid with highly similar properties. This variant was not reported in population based cohorts in the following databases: Database of Single Nucleotide Polymorphisms (dbSNP), NHLBI Exome Sequencing Project (ESP), and 1000 Genomes Project. In the ESP, this variant was not observed in 6503 samples (13006 alleles) with coverage at this position. This amino acid position is poorly conserved in available vertebrate species. In addition, this alteration is predicted to be tolerated by in silico analysis. Since supporting evidence is limited at this time, the clinical significance of this variant remains unclear.